The following is an entry in ClinVar:

NM_002900.3(RBP3):c.938T>C (p.Leu313Pro)

Gene: RBP3 (retinol binding protein 3; plus strand). Cytogenetic location: 10q11.22.
Variant type: single nucleotide variant.
Coding change: c.938T>C on transcript NM_002900.3 (MANE Select); coding-DNA position 938, T replaced by C.
Protein change: p.Leu313Pro; replaces leucine 313 with proline.
Molecular consequence: missense variant.
Genome position (GRCh38, 1-based): chr10:47,349,422, T>C. VCF-style: chr10-47349422-T-C. GRCh37 (hg19) VCF-style: chr10-48389940-A-G.
Other names: short protein forms L313P.
Identifiers: ClinVar variation 936540 (VCV000936540.8), dbSNP rs1555211083, ClinGen allele CA376667294.
Genomic context (GRCh38, chr10:47,349,422, plus strand): 5'-GCCAGACGTGGGAGGGCAGCGGGGTGCTGCCCTGTGTGGGGACTCCGGCCGAGCAGGCCC[T>C]GGAGAAAGCCCTGGCCATCCTCACTCTGCGCAGCGCCCTTCCAGGGGTAGTCCACTGCCT-3'
Protein context (NP_002891.1, residues 303-323): PCVGTPAEQA[Leu313Pro]EKALAILTLR

ClinVar aggregate classification (germline): Uncertain significance. Review status: criteria provided, multiple submitters, no conflicts (2 of 4 stars). 2 submissions from 2 submitters: Uncertain significance (2). Last evaluated 2024-09-26.

Allele frequency attached by ClinVar (database versions not stated): gnomAD exomes below 0.00001; TOPMed 0.00001.

Submissions (2):

Blueprint Genetics
Classification: Uncertain significance. Last evaluated: 2024-09-26. Review status: criteria provided, single submitter. Criteria: ACMG Guidelines, 2015. Collection method: clinical testing. Allele origin: germline.

Labcorp Genetics (formerly Invitae), Labcorp
Classification: Uncertain significance. Last evaluated: 2022-08-16. Review status: criteria provided, single submitter. Criteria: Invitae Variant Classification Sherloc (09022015). Collection method: clinical testing. Allele origin: germline.
Comment: This sequence change replaces leucine, which is neutral and non-polar, with proline, which is neutral and non-polar, at codon 313 of the RBP3 protein (p.Leu313Pro). In summary, the available evidence is currently insufficient to determine the role of this variant in disease. Therefore, it has been classified as a Variant of Uncertain Significance. Algorithms developed to predict the effect of missense changes on protein structure and function are either unavailable or do not agree on the potential impact of this missense change (SIFT: "Deleterious"; PolyPhen-2: "Probably Damaging"; Align-GVGD: "Class C0"). ClinVar contains an entry for this variant (Variation ID: 936540). This variant has not been reported in the literature in individuals affected with RBP3-related conditions. This variant is present in population databases (no rsID available, gnomAD 0.003%).